The following is an entry in ClinVar:

NM_058216.3(RAD51C):c.405T>G (p.Cys135Trp)

Gene: RAD51C (RAD51 paralog C; plus strand). Cytogenetic location: 17q22.
Variant type: single nucleotide variant.
Coding change: c.405T>G on transcript NM_058216.3 (MANE Select); coding-DNA position 405, T replaced by G.
Protein change: p.Cys135Trp; replaces cysteine 135 with tryptophan.
Molecular consequence: missense variant.
Genome position (GRCh38, 1-based): chr17:58,696,693, T>G. VCF-style: chr17-58696693-T-G. GRCh37 (hg19) VCF-style: chr17-56774054-T-G.
Other names: short protein forms C135W.
Identifiers: ClinVar variation 2086641 (VCV002086641.5), dbSNP rs537272666, ClinGen allele CA400343658.

ClinVar aggregate classification (germline): Conflicting classifications of pathogenicity. Review status: criteria provided, conflicting classifications (1 of 4 stars). 2 submissions from 2 submitters: Likely pathogenic (1); Uncertain significance (1). Last evaluated 2024-11-27.

Conditions:
Fanconi anemia complementation group O. Also called: RAD51C-Related Fanconi Anemia. Identifiers: Orphanet 84, MedGen C3150653, MONDO:0013248, OMIM 613390.
Breast-ovarian cancer, familial, susceptibility to, 3. Also called: RAD51C-Related Breast/Ovarian Cancer. Identifiers: Orphanet 145, MedGen C3150659, MONDO:0013253, OMIM 613399.

Submissions (2):

Myriad Genetics, Inc.
Classification: Likely pathogenic for Breast-ovarian cancer, familial, susceptibility to, 3. Last evaluated: 2024-11-27. Review status: criteria provided, single submitter. Criteria: Myriad Autosomal Dominant, Autosomal Recessive and X-Linked Classification Criteria (2023). Collection method: clinical testing. Allele origin: unknown.
Comment: This variant is considered likely pathogenic. Functional studies indicate this variant impacts protein function [PMID: 39299233]. This variant is expected to disrupt protein structure [Myriad internal data].

Labcorp Genetics (formerly Invitae), Labcorp
Classification: Uncertain significance for Fanconi anemia complementation group O. Last evaluated: 2022-01-17. Review status: criteria provided, single submitter. Criteria: Invitae Variant Classification Sherloc (09022015). Collection method: clinical testing. Allele origin: germline.
Comment: In summary, the available evidence is currently insufficient to determine the role of this variant in disease. Therefore, it has been classified as a Variant of Uncertain Significance. Algorithms developed to predict the effect of missense changes on protein structure and function are either unavailable or do not agree on the potential impact of this missense change (SIFT: "Deleterious"; PolyPhen-2: "Probably Damaging"; Align-GVGD: "Class C0"). This variant has not been reported in the literature in individuals affected with RAD51C-related conditions. This variant is not present in population databases (gnomAD no frequency). This sequence change replaces cysteine, which is neutral and slightly polar, with tryptophan, which is neutral and slightly polar, at codon 135 of the RAD51C protein (p.Cys135Trp).

Literature cited by the submitters: PubMed 39299233 (cited by Myriad Genetics, Inc.).